The following is an entry in ClinVar:

ClinVar aggregate classification (germline): Uncertain significance (1 of 4 stars; one submission).

gnomAD v4.1: 11 of 1,613,892 alleles (0.00068%); highest among the groups gnomAD compares: East Asian, 0.0022%; no homozygotes.

Submission:

Labcorp Genetics (formerly Invitae), Labcorp
Classification: Uncertain significance. Last evaluated: 2025-09-17. Review status: criteria provided, single submitter. Criteria: Invitae Variant Classification Sherloc (09022015). Collection method: clinical testing. Allele origin: germline.
Comment: This sequence change replaces arginine, which is basic and polar, with cysteine, which is neutral and slightly polar, at codon 481 of the CNGA3 protein (p.Arg481Cys). This variant is present in population databases (rs751916521, gnomAD 0.007%). This variant has not been reported in the literature in individuals affected with CNGA3-related conditions. Invitae Evidence Modeling of protein sequence and biophysical properties (such as structural, functional, and spatial information, amino acid conservation, physicochemical variation, residue mobility, and thermodynamic stability) indicates that this missense variant is expected to disrupt CNGA3 protein function with a positive predictive value of 95%. In summary, the available evidence is currently insufficient to determine the role of this variant in disease. Therefore, it has been classified as a Variant of Uncertain Significance.

NM_001298.3(CNGA3):c.1441C>T (p.Arg481Cys)

Gene: CNGA3 (cyclic nucleotide gated channel subunit alpha 3; plus strand). Cytogenetic location: 2q11.2.
Variant type: single nucleotide variant.
Coding change: c.1441C>T on transcript NM_001298.3 (MANE Select); coding-DNA position 1441, C replaced by T.
Protein change: p.Arg481Cys; replaces arginine 481 with cysteine.
Molecular consequence: missense variant.
Genome position (GRCh38, 1-based): chr2:98,396,611, C>T. VCF-style: chr2-98396611-C-T. GRCh37 (hg19) VCF-style: chr2-99013074-C-T.
Other names: c.1387C>T, p.Arg463Cys (NM_001079878.2); short protein forms R463C, R481C.
Identifiers: ClinVar variation 4693169 (VCV004693169.1).